The following is an entry in ClinVar:

ClinVar aggregate classification (germline): Pathogenic/Likely pathogenic. Review status: criteria provided, multiple submitters, no conflicts (2 of 4 stars). 2 submissions from 2 submitters: Pathogenic (1); Likely pathogenic (1). Last evaluated 2026-03-06.

Conditions:
Hereditary cancer-predisposing syndrome. Also called: Tumor predisposition; Neoplastic Syndromes, Hereditary; Hereditary Cancer Syndrome; Hereditary neoplastic syndrome. Identifiers: Orphanet 140162, MedGen C0027672, MeSH D009386, MONDO:0015356.
Breast-ovarian cancer, familial, susceptibility to, 1 (BROVCA1). Also called: BRCA1 Hereditary Breast and Ovarian Cancer; OVARIAN CANCER, SUSCEPTIBILITY TO. Identifiers: Orphanet 145, MedGen C2676676, MONDO:0011450, OMIM 604370. Disease mechanism: loss of function.

Submissions (2):

Ambry Genetics
Classification: Pathogenic for Hereditary cancer-predisposing syndrome. Last evaluated: 2026-03-06. Review status: criteria provided, single submitter. Criteria: Ambry Variant Classification Scheme 2023. Collection method: clinical testing. Allele origin: germline.
Comment: The p.K711* pathogenic mutation (also known as c.2131A>T), located in coding exon 9 of the BRCA1 gene, results from an A to T substitution at nucleotide position 2131. This changes the amino acid from a lysine to a stop codon within coding exon 9. This variant is considered to be rare based on population cohorts in the Genome Aggregation Database (gnomAD). This alteration is expected to result in loss of function by premature protein truncation or nonsense-mediated mRNA decay. As such, this alteration is interpreted as a disease-causing mutation.

Human Genetics Bochum, Ruhr University Bochum
Classification: Likely pathogenic for Breast-ovarian cancer, familial, susceptibility to, 1. Last evaluated: 2024-01-05. Review status: criteria provided, single submitter. Criteria: ACMG Guidelines, 2015. Collection method: clinical testing. Allele origin: germline. Affected: yes.
Comment: ACMG criteria used to clasify this variant:PVS1, PM2_SUP

NM_007294.4(BRCA1):c.2131A>T (p.Lys711Ter)

Gene: BRCA1 (BRCA1 DNA repair associated; minus strand). Cytogenetic location: 17q21.31.
Variant type: single nucleotide variant.
Coding change: c.2131A>T on transcript NM_007294.4 (MANE Select); coding-DNA position 2131, A replaced by T.
Protein change: p.Lys711Ter; replaces lysine 711 with a stop codon.
Molecular consequence: nonsense. On other transcripts: intron variant (137).
Genome position (GRCh38, 1-based): chr17:43,093,400, T>A on the plus strand (A>T on the coding strand, the complement: BRCA1 is on the minus strand). VCF-style: chr17-43093400-T-A. GRCh37 (hg19) VCF-style: chr17-41245417-T-A.
Other names: c.1867A>T, p.Lys623Ter (NM_001407922.1, NM_001407923.1, NM_001407924.1 and 9 more transcripts); c.1864A>T, p.Lys622Ter (NM_001407930.1, NM_001407931.1, NM_001407932.1 and 2 more transcripts); c.1918A>T, p.Lys640Ter (NM_001407918.1, NM_001407898.1, NM_001407899.1 and 9 more transcripts); c.2008A>T, p.Lys670Ter (NM_001407919.1, NM_001407668.1, NM_001407669.1 and 19 more transcripts); c.2128A>T, p.Lys710Ter (NM_001407627.1, NM_001407628.1, NM_001407629.1 and 22 more transcripts); c.2005A>T, p.Lys669Ter (NM_001407670.1, NM_001407671.1, NM_001407672.1 and 11 more transcripts); c.1990A>T, p.Lys664Ter (NM_001407692.1, NM_001407694.1, NM_001407695.1 and 29 more transcripts); c.1987A>T, p.Lys663Ter (NM_001407740.1, NM_001407838.1, NM_001407839.1 and 20 more transcripts); and 41 more; short protein forms K711*, K415*, K543*, K583*, K584*, K599*, K600*, K622*.
Identifiers: ClinVar variation 3027457 (VCV003027457.2), dbSNP rs747046197, ClinGen allele CA10597743.
Genomic context (GRCh38, chr17:43,093,400, plus strand): 5'-TTTCTTCTCTTGGAAGGCTAGGATTGACAAATTCTTTAAGTTCACTGGTATTTGAACACT[T>A]AGTAAAAGAACCAGGTGCATTTGTTAACTTCAGCTCTGGGAAAGTATCGCTGTCATGTCT-3'